The following is an entry in ClinVar:

NM_014915.3(ANKRD26):c.3710T>A (p.Met1237Lys)

Gene: ANKRD26 (ankyrin repeat domain containing 26; minus strand). Cytogenetic location: 10p12.1.
Variant type: single nucleotide variant.
Coding change: c.3710T>A on transcript NM_014915.3 (MANE Select); coding-DNA position 3710, T replaced by A.
Protein change: p.Met1237Lys; replaces methionine 1237 with lysine.
Molecular consequence: missense variant.
Genome position (GRCh38, 1-based): chr10:27,033,322, A>T on the plus strand (T>A on the coding strand, the complement: ANKRD26 is on the minus strand). VCF-style: chr10-27033322-A-T. GRCh37 (hg19) VCF-style: chr10-27322251-A-T.
Other names: c.3707T>A, p.Met1236Lys (NM_001256053.2); short protein forms M1236K, M1237K.
Identifiers: ClinVar variation 4103369 (VCV004103369.1).

ClinVar aggregate classification (germline): Uncertain significance (1 of 4 stars; one submission).

Conditions:
Inborn genetic diseases. Identifiers: MedGen C0950123, MeSH D030342.

Submission:

Ambry Genetics
Classification: Uncertain significance for Inborn genetic diseases. Last evaluated: 2025-07-09. Review status: criteria provided, single submitter. Criteria: Ambry Variant Classification Scheme 2023. Collection method: clinical testing. Allele origin: germline.
Comment: The p.M1237K variant (also known as c.3710T>A), located in coding exon 25 of the ANKRD26 gene, results from a T to A substitution at nucleotide position 3710. The methionine at codon 1237 is replaced by lysine, an amino acid with similar properties. This amino acid position is conserved. In addition, the in silico prediction for this alteration is inconclusive. Based on the available evidence, the clinical significance of this variant remains unclear.